The following is an entry in ClinVar:

NM_000379.4(XDH):c.2359C>T (p.Arg787Trp)

Gene: XDH (xanthine dehydrogenase; minus strand). Cytogenetic location: 2p23.1.
Variant type: single nucleotide variant.
Coding change: c.2359C>T on transcript NM_000379.4 (MANE Select); coding-DNA position 2359, C replaced by T.
Protein change: p.Arg787Trp; replaces arginine 787 with tryptophan.
Molecular consequence: missense variant.
Genome position (GRCh38, 1-based): chr2:31,366,073, G>A on the plus strand (C>T on the coding strand, the complement: XDH is on the minus strand). VCF-style: chr2-31366073-G-A. GRCh37 (hg19) VCF-style: chr2-31588939-G-A.
Other names: short protein forms R787W.
Identifiers: ClinVar variation 1039426 (VCV001039426.6), dbSNP rs148904866, ClinGen allele CA1598850.
Genomic context (GRCh38, chr2:31,366,073, plus strand): 5'-TGCTCCGGGTCTCCTTGCCTCCAAAGCCTCCTCCCATTCTCTTCACTCGAACCACAATCC[G>A]GTTTGCTGGAACCCCCAACATTTTTGCAACAAAGCTCTGTGAGTGAAAGACAGAACATTC-3'
Protein context (NP_000370.2, residues 777-797): VAKMLGVPAN[Arg787Trp]IVVRVKRMGG

ClinVar aggregate classification (germline): Uncertain significance. Review status: criteria provided, multiple submitters, no conflicts (2 of 4 stars). 3 submissions from 3 submitters: Uncertain significance (3). Last evaluated 2024-11-11.

Conditions:
Xanthinuria type II. Also called: Xanthine dehydrogenase and aldehyde oxidase combined deficiency of; XDH and AOX dual deficiency. Identifiers: Orphanet 3467, Orphanet 93602, MedGen C1863688, MONDO:0011346, OMIM 603592.
Hereditary xanthinuria type 1 (XAN1). Identifiers: Orphanet 3467, Orphanet 93601, MedGen C0268118, MONDO:0010209, OMIM 278300.

Allele frequency attached by ClinVar (database versions not stated): gnomAD 0.00009; ExAC 0.00010; gnomAD exomes 0.00010; TOPMed 0.00017; ESP Exome Variant Server 0.00023.
gnomAD v4.1: 88 of 1,614,118 alleles (0.0055%); highest among the groups gnomAD compares: East Asian, 0.04%; 1 homozygote.

Submissions (3):

Blueprint Genetics
Classification: Uncertain significance. Last evaluated: 2024-11-11. Review status: criteria provided, single submitter. Criteria: ACMG Guidelines, 2015. Collection method: clinical testing. Allele origin: germline.

Fulgent Genetics
Classification: Uncertain significance for Hereditary xanthinuria type 1. Last evaluated: 2022-04-07. Review status: criteria provided, single submitter. Criteria: ACMG Guidelines, 2015. Collection method: clinical testing. Allele origin: unknown.

Labcorp Genetics (formerly Invitae), Labcorp
Classification: Uncertain significance for Xanthinuria type II. Last evaluated: 2021-11-15. Review status: criteria provided, single submitter. Criteria: Invitae Variant Classification Sherloc (09022015). Collection method: clinical testing. Allele origin: germline.
Comment: This variant has not been reported in the literature in individuals affected with XDH-related conditions. In summary, the available evidence is currently insufficient to determine the role of this variant in disease. Therefore, it has been classified as a Variant of Uncertain Significance. Algorithms developed to predict the effect of missense changes on protein structure and function (SIFT, PolyPhen-2, Align-GVGD) all suggest that this variant is likely to be disruptive. ClinVar contains an entry for this variant (Variation ID: 1039426). This variant is present in population databases (rs148904866, gnomAD 0.09%). This sequence change replaces arginine, which is basic and polar, with tryptophan, which is neutral and slightly polar, at codon 787 of the XDH protein (p.Arg787Trp).